The following is an entry in ClinVar:

NM_018475.5(TMEM165):c.226G>C (p.Ala76Pro)

Gene: TMEM165 (transmembrane protein 165; plus strand). Cytogenetic location: 4q12.
Variant type: single nucleotide variant.
Coding change: c.226G>C on transcript NM_018475.5 (MANE Select); coding-DNA position 226, G replaced by C.
Protein change: p.Ala76Pro; replaces alanine 76 with proline.
Molecular consequence: missense variant. On other transcripts: non-coding transcript variant (1).
Genome position (GRCh38, 1-based): chr4:55,411,632, G>C. VCF-style: chr4-55411632-G-C. GRCh37 (hg19) VCF-style: chr4-56277799-G-C.
Other names: short protein forms A76P.
Identifiers: ClinVar variation 1398878 (VCV001398878.6), dbSNP rs1312894231, ClinGen allele CA356899676.
Genomic context (GRCh38, chr4:55,411,632, plus strand): 5'-TTGAATAATGATTTTAAGAAGTAACTGATTTTTTTTTTCCAGAAAATATTTACACCAGCA[G>C]CTCCAGTTCATACCAATAAAGAAGATCCTGCTACCCAAACTAATTTGGGATTTATCCATG-3'
Protein context (NP_060945.2, residues 66-86): ARVEKIFTPA[Ala76Pro]PVHTNKEDPA

ClinVar aggregate classification (germline): Uncertain significance (1 of 4 stars; one submission).

Conditions:
TMEM165-congenital disorder of glycosylation. Also called: CDG IIk; Congenital disorder of glycosylation type 2k; TMEM165-CDG. Identifiers: Orphanet 314667, MedGen C3553571, MONDO:0013870, OMIM 614727.

Allele frequency attached by ClinVar (database versions not stated): gnomAD 0.00001; gnomAD exomes 0.00001.
gnomAD v4.1: 8 of 1,613,272 alleles (0.0005%); highest among the groups gnomAD compares: Non-Finnish European, 0.00068%; no homozygotes.

Submission:

Labcorp Genetics (formerly Invitae), Labcorp
Classification: Uncertain significance for TMEM165-congenital disorder of glycosylation. Last evaluated: 2025-05-06. Review status: criteria provided, single submitter. Criteria: Invitae Variant Classification Sherloc (09022015). Collection method: clinical testing. Allele origin: germline.
Comment: This sequence change replaces alanine, which is neutral and non-polar, with proline, which is neutral and non-polar, at codon 76 of the TMEM165 protein (p.Ala76Pro). This variant is present in population databases (no rsID available, gnomAD 0.007%). This variant has not been reported in the literature in individuals affected with TMEM165-related conditions. ClinVar contains an entry for this variant (Variation ID: 1398878). Invitae Evidence Modeling of protein sequence and biophysical properties (such as structural, functional, and spatial information, amino acid conservation, physicochemical variation, residue mobility, and thermodynamic stability) indicates that this missense variant is not expected to disrupt TMEM165 protein function with a negative predictive value of 80%. In summary, the available evidence is currently insufficient to determine the role of this variant in disease. Therefore, it has been classified as a Variant of Uncertain Significance.